The following is an entry in ClinVar:

NM_001042424.3(NSD2):c.1804C>T (p.Arg602Trp)

Gene: NSD2 (nuclear receptor binding SET domain protein 2; plus strand). Cytogenetic location: 4p16.3.
Variant type: single nucleotide variant.
Coding change: c.1804C>T on transcript NM_001042424.3 (MANE Select); coding-DNA position 1804, C replaced by T.
Protein change: p.Arg602Trp; replaces arginine 602 with tryptophan.
Molecular consequence: missense variant. On other transcripts: intron variant (2).
Genome position (GRCh38, 1-based): chr4:1,939,701, C>T. VCF-style: chr4-1939701-C-T. GRCh37 (hg19) VCF-style: chr4-1941428-C-T.
Other names: c.1804C>T, p.Arg602Trp (NM_001440892.1, NM_001440894.1, NM_001440895.1 and 6 more transcripts); c.1903C>T, p.Arg635Trp (NM_001440893.1); c.835C>T, p.Arg279Trp (NM_001440899.1, NM_001440900.1); c.1674+4439C>T (NM_001440897.1, NM_001440898.1); short protein forms R279W, R602W, R635W.
Identifiers: ClinVar variation 4086303 (VCV004086303.1).
Genomic context (GRCh38, chr4:1,939,701, plus strand): 5'-AATTATTTTACAGCAACGAAAAATCTGTCTGATGCATGTAAACCACTGAAGAAGCGAAAT[C>T]GGGCTTCCACGGCAGCATCTTCAGCTCTTGGGTTTAGCAAAAGTTCATCTCCTTCTGCAT-3'
Protein context (NP_001035889.1, residues 592-612): DACKPLKKRN[Arg602Trp]ASTAASSALG

ClinVar aggregate classification (germline): Uncertain significance (1 of 4 stars; one submission).

gnomAD v4.1: 3 of 1,614,198 alleles (0.00019%); highest among the groups gnomAD compares: Non-Finnish European, 0.00025%; no homozygotes.

Submission:

GeneDx
Classification: Uncertain significance. Last evaluated: 2025-03-20. Review status: criteria provided, single submitter. Criteria: GeneDx Variant Classification Process June 2021. Collection method: clinical testing. Allele origin: germline. Affected: yes.
Comment: Not observed at significant frequency in large population cohorts (gnomAD); In silico analysis supports that this missense variant has a deleterious effect on protein structure/function; Has not been previously published as pathogenic or benign to our knowledge